The following is an entry in ClinVar:

ClinVar aggregate classification (germline): Uncertain significance (1 of 4 stars; one submission).

gnomAD v4.1: 6 of 1,614,188 alleles (0.00037%); highest among the groups gnomAD compares: Admixed American, 0.0017%; no homozygotes.

Submission:

Athena Diagnostics
Classification: Uncertain significance. Last evaluated: 2024-02-06. Review status: criteria provided, single submitter. Criteria: Athena Diagnostics Criteria. Collection method: clinical testing. Allele origin: unknown.
Comment: Available data are insufficient to determine the clinical significance of the variant at this time. The frequency of this variant in the general population is uninformative in assessment of its pathogenicity. Computational tools predict that this variant is not damaging.

NM_182961.4(SYNE1):c.16262A>G (p.Glu5421Gly)

Gene: SYNE1 (spectrin repeat containing nuclear envelope protein 1; minus strand). Cytogenetic location: 6q25.2.
Variant type: single nucleotide variant.
Coding change: c.16262A>G on transcript NM_182961.4 (MANE Select); coding-DNA position 16262, A replaced by G.
Protein change: p.Glu5421Gly; replaces glutamic acid 5421 with glycine.
Molecular consequence: missense variant.
Genome position (GRCh38, 1-based): chr6:152,318,990, T>C on the plus strand (A>G on the coding strand, the complement: SYNE1 is on the minus strand). VCF-style: chr6-152318990-T-C. GRCh37 (hg19) VCF-style: chr6-152640125-T-C.
Other names: c.16049A>G, p.Glu5350Gly (NM_033071.5); short protein forms E5350G, E5421G.
Identifiers: ClinVar variation 3571932 (VCV003571932.1).